The following is an entry in ClinVar:

NC_000022.10:g.(?_50885571)_(50897841_?)dup

Gene: SBF1 (SET binding factor 1; minus strand). Cytogenetic location: 22q13.33.
Variant type: Duplication.
Identifiers: ClinVar variation 2424578 (VCV002424578.4).

ClinVar aggregate classification (germline): Uncertain significance (1 of 4 stars; one submission).

Submission:

Labcorp Genetics (formerly Invitae), Labcorp
Classification: Uncertain significance. Last evaluated: 2022-06-08. Review status: criteria provided, single submitter. Criteria: Invitae Variant Classification Sherloc (09022015). Collection method: clinical testing. Allele origin: germline.
Comment: In summary, the available evidence is currently insufficient to determine the role of this variant in disease. Therefore, it has been classified as a Variant of Uncertain Significance. This variant has not been reported in the literature in individuals affected with SBF1-related conditions. This variant results in a copy number gain of the genomic region encompassing exon(s) 28-41 of the SBF1 gene. This region includes the termination codon of the gene. This copy number gain extends beyond the assayed region for this gene and therefore may encompass additional genes. As the precise location of this event is unknown, it may be in tandem or it may be located elsewhere in the genome.